The following is an entry in ClinVar:

NM_020631.6(PLEKHG5):c.1128T>A (p.Cys376Ter)

Gene: PLEKHG5 (pleckstrin homology and RhoGEF domain containing G5; minus strand). Cytogenetic location: 1p36.31.
Variant type: single nucleotide variant.
Coding change: c.1128T>A on transcript NM_020631.6 (MANE Select); coding-DNA position 1128, T replaced by A.
Protein change: p.Cys376Ter; replaces cysteine 376 with a stop codon.
Molecular consequence: nonsense.
Genome position (GRCh38, 1-based): chr1:6,471,761, A>T on the plus strand (T>A on the coding strand, the complement: PLEKHG5 is on the minus strand). VCF-style: chr1-6471761-A-T. GRCh37 (hg19) VCF-style: chr1-6531821-A-T.
Other names: c.1128T>A, p.Cys376Ter (NM_198681.4, NM_001265594.3, NM_001042665.2 and 1 more transcripts); c.1239T>A, p.Cys413Ter (NM_001265592.2, NM_001042663.3); c.1335T>A, p.Cys445Ter (NM_001265593.2); short protein forms C413*, C376*, C445*.
Identifiers: ClinVar variation 1999132 (VCV001999132.4), dbSNP rs2523172908, ClinGen allele CA338131938.

ClinVar aggregate classification (germline): Pathogenic (1 of 4 stars; one submission).

Conditions:
Neuronopathy, distal hereditary motor, autosomal recessive 4. Also called: Autosomal recessive lower motor neuron disease with childhood onset; NEUROPATHY, DISTAL HEREDITARY MOTOR, AUTOSOMAL RECESSIVE 4. Identifiers: Orphanet 206580, MedGen C1970211, MONDO:0012608, OMIM 611067.
Charcot-Marie-Tooth disease recessive intermediate C. Also called: CHARCOT-MARIE-TOOTH NEUROPATHY, RECESSIVE INTERMEDIATE C. Identifiers: Orphanet 369867, MedGen C3809309, MONDO:0014154, OMIM 615376.

Submission:

Labcorp Genetics (formerly Invitae), Labcorp
Classification: Pathogenic for Neuronopathy, distal hereditary motor, autosomal recessive 4; Charcot-Marie-Tooth disease recessive intermediate C. Last evaluated: 2022-05-26. Review status: criteria provided, single submitter. Criteria: Invitae Variant Classification Sherloc (09022015). Collection method: clinical testing. Allele origin: germline.
Comment: For these reasons, this variant has been classified as Pathogenic. This variant has not been reported in the literature in individuals affected with PLEKHG5-related conditions. This variant is not present in population databases (gnomAD no frequency). This sequence change creates a premature translational stop signal (p.Cys376*) in the PLEKHG5 gene. It is expected to result in an absent or disrupted protein product. Loss-of-function variants in PLEKHG5 are known to be pathogenic (PMID: 17564964, 23777631).

Literature cited by the submitters: PubMed 17564964; PubMed 23777631.